The following is an entry in ClinVar:

ClinVar aggregate classification (germline): Uncertain significance (1 of 4 stars; one submission).

Conditions:
Hereditary sensory and autonomic neuropathy type 7. Also called: Neuropathy, hereditary sensory and autonomic, type VII; HSAN VII. Identifiers: Orphanet 391397, MedGen C3809882, MONDO:0014244, OMIM 615548.
Familial episodic pain syndrome with predominantly lower limb involvement. Also called: Episodic pain syndrome, familial, 3. Identifiers: Orphanet 391384, Orphanet 391392, MedGen C3809899, MONDO:0014247, OMIM 615552.

Allele frequency attached by ClinVar (database versions not stated): gnomAD exomes below 0.00001; TOPMed below 0.00001.
gnomAD v4.1: 6 of 1,614,176 alleles (0.00037%); highest among the groups gnomAD compares: Non-Finnish European, 0.00051%; no homozygotes.

Submission:

Labcorp Genetics (formerly Invitae), Labcorp
Classification: Uncertain significance for Familial episodic pain syndrome with predominantly lower limb involvement; Hereditary sensory and autonomic neuropathy type 7. Last evaluated: 2024-09-17. Review status: criteria provided, single submitter. Criteria: Invitae Variant Classification Sherloc (09022015). Collection method: clinical testing. Allele origin: germline.
Comment: This sequence change replaces valine, which is neutral and non-polar, with leucine, which is neutral and non-polar, at codon 1522 of the SCN11A protein (p.Val1522Leu). This variant is present in population databases (no rsID available, gnomAD 0.0009%). This variant has not been reported in the literature in individuals affected with SCN11A-related conditions. ClinVar contains an entry for this variant (Variation ID: 2418511). Invitae Evidence Modeling of protein sequence and biophysical properties (such as structural, functional, and spatial information, amino acid conservation, physicochemical variation, residue mobility, and thermodynamic stability) indicates that this missense variant is not expected to disrupt SCN11A protein function with a negative predictive value of 80%. In summary, the available evidence is currently insufficient to determine the role of this variant in disease. Therefore, it has been classified as a Variant of Uncertain Significance.

NM_001349253.2(SCN11A):c.4564G>C (p.Val1522Leu)

Gene: SCN11A (sodium voltage-gated channel alpha subunit 11; minus strand). Cytogenetic location: 3p22.2.
Variant type: single nucleotide variant.
Coding change: c.4564G>C on transcript NM_001349253.2 (MANE Select); coding-DNA position 4564, G replaced by C.
Protein change: p.Val1522Leu; replaces valine 1522 with leucine.
Molecular consequence: missense variant.
Genome position (GRCh38, 1-based): chr3:38,847,506, C>G on the plus strand (G>C on the coding strand, the complement: SCN11A is on the minus strand). VCF-style: chr3-38847506-C-G. GRCh37 (hg19) VCF-style: chr3-38888997-C-G.
Other names: c.4564G>C, p.Val1522Leu (NM_014139.3); short protein forms V1522L.
Identifiers: ClinVar variation 2418511 (VCV002418511.6), dbSNP rs965494346, ClinGen allele CA72960014.